The following is an entry in ClinVar:

NM_001195248.2(APTX):c.-5+16G>T

Gene: APTX (aprataxin; minus strand). Cytogenetic location: 9p21.1.
Variant type: single nucleotide variant.
Coding change: c.-5+16G>T on transcript NM_001195248.2 (MANE Select); 16 bases into the intron after 5 bases upstream of the start codon, G replaced by T.
Molecular consequence: intron variant. On other transcripts: 5 prime UTR variant (5), non-coding transcript variant (1).
Genome position (GRCh38, 1-based): chr9:33,001,551, C>A on the plus strand (G>T on the coding strand, the complement: APTX is on the minus strand). VCF-style: chr9-33001551-C-A. GRCh37 (hg19) VCF-style: chr9-33001549-C-A.
Other names: c.-223G>T (NM_001195249.2); c.-40G>T (NM_001195254.2, NM_001368998.1); c.-299G>T (NM_001370670.1); c.-482G>T (NM_001370673.1); c.-4-11656G>T (NM_001369001.1, NM_001368996.1, NM_001368995.1 and 3 more transcripts); c.-263-11656G>T (NM_001369002.1, NM_001369003.1); c.-5+16G>T (NM_001195250.2, NM_001195252.2, NM_175069.3); c.-222+16G>T (NM_001369004.1); and 3 more.
Identifiers: ClinVar variation 136417 (VCV000136417.4), dbSNP rs145658621, ClinGen allele CA289507.

ClinVar aggregate classification (germline): Benign/Likely benign. Review status: criteria provided, multiple submitters, no conflicts (2 of 4 stars). 4 submissions from 4 submitters: Benign (2); Likely benign (2). Last evaluated 2024-10-23.

Conditions:
Ataxia, early-onset, with oculomotor apraxia and hypoalbuminemia (EAOH). Also called: ATAXIA-OCULOMOTOR APRAXIA SYNDROME; ATAXIA-TELANGIECTASIA-LIKE SYNDROME; Ataxia-oculomotor apraxia type 1. Identifiers: Orphanet 1168, MedGen C1859598, MONDO:0008842, OMIM 208920.

Allele frequency attached by ClinVar (database versions not stated): gnomAD 0.00537 and 0.00564; ESP Exome Variant Server 0.00630; TOPMed 0.00630; 1000 Genomes Project 0.00879; 1000 Genomes Project 30x 0.00890.
gnomAD v4.1: 1,576 of 1,613,774 alleles (0.098%); highest among the groups gnomAD compares: African/African-American, 1.8%; 13 homozygotes.

Submissions (4):

Blueprint Genetics
Classification: Likely benign. Last evaluated: 2024-10-23. Review status: criteria provided, single submitter. Criteria: ACMG Guidelines, 2015. Collection method: clinical testing. Allele origin: germline.

Fulgent Genetics
Classification: Likely benign for Ataxia, early-onset, with oculomotor apraxia and hypoalbuminemia. Last evaluated: 2021-11-18. Review status: criteria provided, single submitter. Criteria: ACMG Guidelines, 2015. Collection method: clinical testing. Allele origin: unknown.

GeneDx
Classification: Benign. Last evaluated: 2012-11-28. Review status: criteria provided, single submitter. Criteria: GeneDx Variant Classification (06012015). Collection method: clinical testing. Allele origin: germline. Affected: yes.
Comment: This variant is considered likely benign or benign based on one or more of the following criteria: it is a conservative change, it occurs at a poorly conserved position in the protein, it is predicted to be benign by multiple in silico algorithms, and/or has population frequency not consistent with disease.

Breakthrough Genomics
Classification: Benign. Review status: criteria provided, single submitter. Criteria: ACMG Guidelines, 2015. Collection method: not provided. Allele origin: germline. Inheritance: Autosomal recessive inheritance. Affected: yes.